The following is an entry in ClinVar:

ClinVar aggregate classification (germline): Uncertain significance. Review status: criteria provided, multiple submitters, no conflicts (2 of 4 stars). 2 submissions from 2 submitters: Uncertain significance (2). Last evaluated 2023-12-11.

Conditions:
Inborn genetic diseases. Identifiers: MedGen C0950123, MeSH D030342.

Allele frequency attached by ClinVar (database versions not stated): gnomAD below 0.00001 and 0.00003; TOPMed below 0.00001; gnomAD exomes 0.00001 and 0.00003; ExAC 0.00003.

Submissions (2):

Labcorp Genetics (formerly Invitae), Labcorp
Classification: Uncertain significance. Last evaluated: 2023-12-11. Review status: criteria provided, single submitter. Criteria: Invitae Variant Classification Sherloc (09022015). Collection method: clinical testing. Allele origin: germline.
Comment: This sequence change replaces lysine, which is basic and polar, with glutamic acid, which is acidic and polar, at codon 536 of the PRDM13 protein (p.Lys536Glu). This variant is present in population databases (rs757562312, gnomAD 0.02%), including at least one homozygous and/or hemizygous individual. This variant has not been reported in the literature in individuals affected with PRDM13-related conditions. ClinVar contains an entry for this variant (Variation ID: 998785). An algorithm developed to predict the effect of missense changes on protein structure and function (PolyPhen-2) suggests that this variant is likely to be disruptive. In summary, the available evidence is currently insufficient to determine the role of this variant in disease. Therefore, it has been classified as a Variant of Uncertain Significance.

Ambry Genetics
Classification: Uncertain significance for Inborn genetic diseases. Last evaluated: 2023-08-15. Review status: criteria provided, single submitter. Criteria: Ambry Variant Classification Scheme 2023. Collection method: clinical testing. Allele origin: germline.

NM_021620.4(PRDM13):c.1606A>G (p.Lys536Glu)

Gene: PRDM13 (PR/SET domain 13; plus strand). Cytogenetic location: 6q16.2.
Variant type: single nucleotide variant.
Coding change: c.1606A>G on transcript NM_021620.4 (MANE Select); coding-DNA position 1606, A replaced by G.
Protein change: p.Lys536Glu; replaces lysine 536 with glutamic acid.
Molecular consequence: missense variant.
Genome position (GRCh38, 1-based): chr6:99,614,241, A>G. VCF-style: chr6-99614241-A-G. GRCh37 (hg19) VCF-style: chr6-100062117-A-G.
Other names: c.1606A>G (NM_021620.3); short protein forms K536E.
Identifiers: ClinVar variation 998785 (VCV000998785.8), dbSNP rs757562312, ClinGen allele CA3936414.